The following is an entry in ClinVar:

ClinVar aggregate classification (germline): Uncertain significance. Review status: criteria provided, multiple submitters, no conflicts (2 of 4 stars). 2 submissions from 2 submitters: Uncertain significance (2). Last evaluated 2024-05-28.

Conditions:
Dilated cardiomyopathy 1KK (CMD1KK). Identifiers: Orphanet 154, Orphanet 75249, MedGen C3714995, MONDO:0014100, OMIM 615248.

Submissions (2):

Labcorp Genetics (formerly Invitae), Labcorp
Classification: Uncertain significance for Dilated cardiomyopathy 1KK. Last evaluated: 2024-05-28. Review status: criteria provided, single submitter. Criteria: Invitae Variant Classification Sherloc (09022015). Collection method: clinical testing. Allele origin: germline.
Comment: This sequence change replaces proline, which is neutral and non-polar, with leucine, which is neutral and non-polar, at codon 681 of the MYPN protein (p.Pro681Leu). This variant is not present in population databases (gnomAD no frequency). This variant has not been reported in the literature in individuals affected with MYPN-related conditions. ClinVar contains an entry for this variant (Variation ID: 191752). An algorithm developed to predict the effect of missense changes on protein structure and function (PolyPhen-2) suggests that this variant is likely to be tolerated. In summary, the available evidence is currently insufficient to determine the role of this variant in disease. Therefore, it has been classified as a Variant of Uncertain Significance.

Biesecker Lab/Clinical Genomics Section, National Institutes of Health
Classification: Uncertain significance. Last evaluated: 2013-06-24. Review status: criteria provided, single submitter. Criteria: Ng et al. (Circ Cardiovasc Genet. 2013). Collection method: research. Allele origin: unknown. Observed: 1 variant allele. Study: ClinSeq.
Comment: The study set was not selected for affection status in relation to any cancer. Pathogenicity categories were based on literature curation. See Pubmed ID:23861362 for details.

Medical sequencing

NM_032578.4(MYPN):c.2042C>T (p.Pro681Leu)

Gene: MYPN (myopalladin; plus strand). Cytogenetic location: 10q21.3.
Variant type: single nucleotide variant.
Coding change: c.2042C>T on transcript NM_032578.4 (MANE Select); coding-DNA position 2042, C replaced by T.
Protein change: p.Pro681Leu; replaces proline 681 with leucine.
Molecular consequence: missense variant. On other transcripts: non-coding transcript variant (2).
Genome position (GRCh38, 1-based): chr10:68,174,134, C>T. VCF-style: chr10-68174134-C-T. GRCh37 (hg19) VCF-style: chr10-69933891-C-T.
Other names: c.2042C>T, p.Pro681Leu (NM_001256267.2); c.1160C>T, p.Pro387Leu (NM_001256268.2); short protein forms P681L, P387L.
Identifiers: ClinVar variation 191752 (VCV000191752.3), dbSNP rs202084832, ClinGen allele CA237457.
Genomic context (GRCh38, chr10:68,174,134, plus strand): 5'-CTCAGTTACAACAGCTTCATAACCAAGTCTTACTGGAACAACACCAATTGCAAAACCCAC[C>T]TCCTTCATCTCCTAAGGAGTTTCCTTTCAGCATGACTGTTTTGAACTCCAATGCTCCCCC-3'
Protein context (NP_115967.2, residues 671-691): LLEQHQLQNP[Pro681Leu]PSSPKEFPFS